The following is an entry in ClinVar:

NM_001369.3(DNAH5):c.2203G>C (p.Ala735Pro)

Genes: DNAH5 (dynein axonemal heavy chain 5; minus strand), DNAH5-AS1 (DNAH5 antisense RNA 1; plus strand). Cytogenetic location: 5p15.2.
Variant type: single nucleotide variant.
Coding change: c.2203G>C on transcript NM_001369.3 (MANE Select); coding-DNA position 2203, G replaced by C.
Protein change: p.Ala735Pro; replaces alanine 735 with proline.
Molecular consequence: missense variant.
Genome position (GRCh38, 1-based): chr5:13,900,262, C>G on the plus strand (G>C on the coding strand, the complement: DNAH5 is on the minus strand). VCF-style: chr5-13900262-C-G. GRCh37 (hg19) VCF-style: chr5-13900371-C-G.
Other names: short protein forms A735P.
Identifiers: ClinVar variation 351205 (VCV000351205.11), dbSNP rs150793327, ClinGen allele CA3204644.

ClinVar aggregate classification (germline): Conflicting classifications of pathogenicity. Review status: criteria provided, conflicting classifications (1 of 4 stars). 3 submissions from 3 submitters: Uncertain significance (2); Likely benign (1). Last evaluated 2026-02-20.

Conditions:
Primary ciliary dyskinesia 3. Identifiers: Orphanet 244, MedGen C1837618, MONDO:0012085, OMIM 608644.
Primary ciliary dyskinesia. Also called: Ciliary dyskinesia. Identifiers: Orphanet 244, MedGen C0008780, MONDO:0016575, HP:0012265.

Allele frequency attached by ClinVar (database versions not stated): gnomAD exomes 0.00001 and 0.00005; ExAC 0.00004; gnomAD 0.00009 and 0.00011; TOPMed 0.00012; ESP Exome Variant Server 0.00015.
gnomAD v4.1: 38 of 1,614,018 alleles (0.0024%); highest among the groups gnomAD compares: African/African-American, 0.028%; no homozygotes.

Submissions (3):

Ambry Genetics
Classification: Uncertain significance for Primary ciliary dyskinesia. Last evaluated: 2026-02-20. Review status: criteria provided, single submitter. Criteria: Ambry Variant Classification Scheme 2023. Collection method: clinical testing. Allele origin: germline.
Comment: The c.2203G>C (p.A735P) alteration is located in exon 15 (coding exon 15) of the DNAH5 gene. This alteration results from a G to C substitution at nucleotide position 2203, causing the alanine (A) at amino acid position 735 to be replaced by a proline (P). Based on data from gnomAD, the C allele has an overall frequency of 0.005% (13/251198) total alleles studied. The highest observed frequency was 0.044% (8/18374) of East Asian alleles. Based on insufficient or conflicting evidence, the clinical significance of this alteration remains unclear.

Labcorp Genetics (formerly Invitae), Labcorp
Classification: Likely benign for Primary ciliary dyskinesia. Last evaluated: 2026-01-06. Review status: criteria provided, single submitter. Criteria: Invitae Variant Classification Sherloc (09022015). Collection method: clinical testing. Allele origin: germline.

Illumina Laboratory Services, Illumina
Classification: Uncertain significance for Primary ciliary dyskinesia 3. Last evaluated: 2018-01-13. Review status: criteria provided, single submitter. Criteria: ICSL Variant Classification Criteria 13 December 2019. Collection method: clinical testing. Allele origin: germline.